The following is an entry in ClinVar:

NM_001687.5(ATP5F1D):c.63C>T (p.Ala21=)

Gene: ATP5F1D (ATP synthase F1 subunit delta; plus strand). Cytogenetic location: 19p13.3.
Variant type: single nucleotide variant.
Coding change: c.63C>T on transcript NM_001687.5 (MANE Select); coding-DNA position 63, C replaced by T.
Protein change: p.Ala21=; no amino-acid change (alanine 21 retained).
Molecular consequence: synonymous variant.
Genome position (GRCh38, 1-based): chr19:1,241,913, C>T. VCF-style: chr19-1241913-C-T. GRCh37 (hg19) VCF-style: chr19-1241912-C-T.
Other names: c.63C>T (NM_001001975.1); c.63C>T, p.Ala21= (NM_001001975.2).
Identifiers: ClinVar variation 2194374 (VCV002194374.6), dbSNP rs569204304, ClinGen allele CA9040191.

ClinVar aggregate classification (germline): Likely benign. Review status: criteria provided, single submitter (1 of 4 stars). 2 submissions from 2 submitters: Likely benign (1). 1 of the submissions does not count toward it. Last evaluated 2025-12-17.

Conditions:
ATP5F1D-related disorder. Also called: ATP5F1D-related condition.

Allele frequency attached by ClinVar (database versions not stated): 1000 Genomes Project 0.00020; ExAC 0.00021; TOPMed 0.00041; gnomAD 0.00042; 1000 Genomes Project 30x 0.00047.
gnomAD v4.1: 184 of 1,493,436 alleles (0.012%); highest among the groups gnomAD compares: African/African-American, 0.12%; no homozygotes.

Submissions (2):

Labcorp Genetics (formerly Invitae), Labcorp
Classification: Likely benign. Last evaluated: 2025-12-17. Review status: criteria provided, single submitter. Criteria: Invitae Variant Classification Sherloc (09022015). Collection method: clinical testing. Allele origin: germline.

PreventionGenetics, part of Exact Sciences
Classification: Likely benign for ATP5F1D-related condition. Last evaluated: 2022-12-22. Review status: no assertion criteria provided. Collection method: clinical testing. Allele origin: germline. Not counted in ClinVar's aggregate classification.
Comment: This variant is classified as likely benign based on ACMG/AMP sequence variant interpretation guidelines (Richards et al. 2015 PMID: 25741868, with internal and published modifications).